The following is an entry in ClinVar:

ClinVar aggregate classification (germline): Conflicting classifications of pathogenicity. Review status: criteria provided, conflicting classifications (1 of 4 stars). 3 submissions from 3 submitters: Uncertain significance (1); Likely benign (2). Last evaluated 2024-02-12.

Conditions:
Pierson syndrome. Also called: MICROCORIA-CONGENITAL NEPHROTIC SYNDROME. Identifiers: Orphanet 2670, MedGen C1836876, MONDO:0012184, OMIM 609049.
LAMB2-related infantile-onset nephrotic syndrome. Also called: Nephrotic Syndrome, type 5; NEPHROTIC SYNDROME, TYPE 5, WITHOUT OCULAR ABNORMALITIES; NEPHROTIC SYNDROME, TYPE 5, WITH OCULAR ABNORMALITIES. Identifiers: Orphanet 306507, MedGen C3280113, MONDO:0013621, OMIM 614199.
LAMB2-related disorder. Also called: LAMB2-related condition.

Allele frequency attached by ClinVar (database versions not stated): TOPMed below 0.00001; gnomAD 0.00001 and 0.00007; ExAC 0.00029.
gnomAD v4.1: 198 of 1,613,462 alleles (0.012%); highest among the groups gnomAD compares: South Asian, 0.2%; 3 homozygotes.

Submissions (3):

Labcorp Genetics (formerly Invitae), Labcorp
Classification: Likely benign for LAMB2-related infantile-onset nephrotic syndrome; Pierson syndrome. Last evaluated: 2024-02-12. Review status: criteria provided, single submitter. Criteria: Invitae Variant Classification Sherloc (09022015). Collection method: clinical testing. Allele origin: germline.

PreventionGenetics, part of Exact Sciences
Classification: Uncertain significance for LAMB2-related condition. Last evaluated: 2023-07-12. Review status: criteria provided, single submitter. Criteria: ACMG Guidelines, 2015. Collection method: clinical testing. Allele origin: germline.
Comment: The LAMB2 c.4667C>T variant is predicted to result in the amino acid substitution p.Ala1556Val. This variant has been reported to be on the same allele with the c.5182C>T (p.Gln1728*) variant, suggesting this missense variant is a benign polymorphism (Matejas et al. 2006. PubMed ID: 16921188). However, this variant alone in the homozygous state was reported in one patient with steroid resistant nephrotic syndrome (SRNS) (Abid et al. 2018. PubMed ID: 30013592). This variant is reported in 0.22% of alleles in individuals of South Asian descent in gnomAD. At this time, the clinical significance of this variant is uncertain due to the absence of conclusive functional and genetic evidence.

Dubai Health Genomic Medicine Center, Dubai Health
Classification: Likely benign for Pierson syndrome. Last evaluated: 2021-03-22. Review status: criteria provided, single submitter. Criteria: ACMG Guidelines, 2015. Collection method: clinical testing. Allele origin: germline. Affected: yes.

NM_002292.4(LAMB2):c.4667C>T (p.Ala1556Val)

Gene: LAMB2 (laminin subunit beta 2; minus strand). Cytogenetic location: 3p21.31.
Variant type: single nucleotide variant.
Coding change: c.4667C>T on transcript NM_002292.4 (MANE Select); coding-DNA position 4667, C replaced by T.
Protein change: p.Ala1556Val; replaces alanine 1556 with valine.
Molecular consequence: missense variant.
Genome position (GRCh38, 1-based): chr3:49,122,277, G>A on the plus strand (C>T on the coding strand, the complement: LAMB2 is on the minus strand). VCF-style: chr3-49122277-G-A. GRCh37 (hg19) VCF-style: chr3-49159710-G-A.
Other names: c.4667C>T (NM_002292.3); short protein forms A1556V.
Identifiers: ClinVar variation 1301636 (VCV001301636.11), dbSNP rs774045808, ClinGen allele CA2393739.
Genomic context (GRCh38, chr3:49,122,277, plus strand): 5'-GTACGTGCCAGGATCGCATCCACATCTGCCAGGCTCCGGACTCGCTCTGCAATCGCACCC[G>A]CCAGGTGCTGGATCTGCTCAGCTGAAGCTGGGATGGAGAGCTCTAGCACCCGTGTGGCCA-3'
Protein context (NP_002283.3, residues 1546-1566): PASAEQIQHL[Ala1556Val]GAIAERVRSL